The following is an entry in ClinVar:

NM_021815.5(SLC5A7):c.1138G>A (p.Val380Ile)

Gene: SLC5A7 (solute carrier family 5 member 7; plus strand). Cytogenetic location: 2q12.3.
Variant type: single nucleotide variant.
Coding change: c.1138G>A on transcript NM_021815.5 (MANE Select); coding-DNA position 1138, G replaced by A.
Protein change: p.Val380Ile; replaces valine 380 with isoleucine.
Molecular consequence: missense variant.
Genome position (GRCh38, 1-based): chr2:108,010,256, G>A. VCF-style: chr2-108010256-G-A. GRCh37 (hg19) VCF-style: chr2-108626712-G-A.
Other names: c.1138G>A, p.Val380Ile (NM_001305005.3); c.823G>A, p.Val275Ile (NM_001305006.3); c.397G>A, p.Val133Ile (NM_001305007.3); short protein forms V133I, V275I, V380I.
Identifiers: ClinVar variation 1063516 (VCV001063516.5), dbSNP rs2104382635, ClinGen allele CA348113931.
Genomic context (GRCh38, chr2:108,010,256, plus strand): 5'-TGTGCAAAAAGCTGACACTGTGGCAATTTCTTACAGGCTTCGGACAAAGAAATCGTTTGG[G>A]TTATGCGAATCACAGTGTTTGTGTTTGGAGCATCTGCAACAGCCATGGCCTTGCTGACGA-3'
Protein context (NP_068587.1, residues 370-390): QNASDKEIVW[Val380Ile]MRITVFVFGA

ClinVar aggregate classification (germline): Uncertain significance (1 of 4 stars; one submission).

Conditions:
Congenital myasthenic syndrome 20. Also called: Myasthenic syndrome, congenital, 20, presynaptic. Identifiers: MedGen C4310694, MONDO:0014939, OMIM 617143.
Neuronopathy, distal hereditary motor, type 7A. Also called: SPINAL MUSCULAR ATROPHY, DISTAL, WITH VOCAL CORD PARALYSIS; Neuronopathy, distal hereditary motor, type viia; NEURONOPATHY, DISTAL HEREDITARY MOTOR, HARDING TYPE VIIA; NEUROPATHY, DISTAL HEREDITARY MOTOR, HARDING TYPE VIIA; Neuronopathy, distal hereditary motor, autosomal dominant 7; HARPER-YOUNG MYOPATHY. Identifiers: Orphanet 139589, MedGen C1834703, MONDO:0008024, OMIM 158580.

Submission:

Labcorp Genetics (formerly Invitae), Labcorp
Classification: Uncertain significance for Neuronopathy, distal hereditary motor, type 7A; Congenital myasthenic syndrome 20. Last evaluated: 2023-11-10. Review status: criteria provided, single submitter. Criteria: Invitae Variant Classification Sherloc (09022015). Collection method: clinical testing. Allele origin: germline.
Comment: This sequence change replaces valine, which is neutral and non-polar, with isoleucine, which is neutral and non-polar, at codon 380 of the SLC5A7 protein (p.Val380Ile). This variant is not present in population databases (gnomAD no frequency). This variant has not been reported in the literature in individuals affected with SLC5A7-related conditions. ClinVar contains an entry for this variant (Variation ID: 1063516). Advanced modeling of protein sequence and biophysical properties (such as structural, functional, and spatial information, amino acid conservation, physicochemical variation, residue mobility, and thermodynamic stability) performed at Invitae indicates that this missense variant is not expected to disrupt SLC5A7 protein function with a negative predictive value of 80%. In summary, the available evidence is currently insufficient to determine the role of this variant in disease. Therefore, it has been classified as a Variant of Uncertain Significance.